The following is an entry in ClinVar:

NM_001083116.3(PRF1):c.749C>T (p.Thr250Met)

Gene: PRF1 (perforin 1; minus strand). Cytogenetic location: 10q22.1.
Variant type: single nucleotide variant.
Coding change: c.749C>T on transcript NM_001083116.3 (MANE Select); coding-DNA position 749, C replaced by T.
Protein change: p.Thr250Met; replaces threonine 250 with methionine.
Molecular consequence: missense variant.
Genome position (GRCh38, 1-based): chr10:70,598,972, G>A on the plus strand (C>T on the coding strand, the complement: PRF1 is on the minus strand). VCF-style: chr10-70598972-G-A. GRCh37 (hg19) VCF-style: chr10-72358728-G-A.
Other names: c.749C>T, p.Thr250Met (NM_005041.6); c.749C>T (NM_005041.5); short protein forms T250M.
Identifiers: ClinVar variation 566088 (VCV000566088.11), dbSNP rs775966864, ClinGen allele CA5538925.

ClinVar aggregate classification (germline): Uncertain significance. Review status: criteria provided, multiple submitters, no conflicts (2 of 4 stars). 3 submissions from 3 submitters: Uncertain significance (2). 1 of the submissions does not count toward it. Last evaluated 2024-10-07.

Conditions:
Familial hemophagocytic lymphohistiocytosis 2 (FHL2). Also called: PRF1-Related Familial Hemophagocytic Lymphohistiocytosis (PRF1-fHLH). Identifiers: Orphanet 540, MedGen C1863727, MONDO:0011337, OMIM 603553.

Allele frequency attached by ClinVar (database versions not stated): ExAC 0.00004; gnomAD 0.00004 and 0.00005; gnomAD exomes 0.00004; TOPMed 0.00007.

Submissions (3):

Labcorp Genetics (formerly Invitae), Labcorp
Classification: Uncertain significance for Familial hemophagocytic lymphohistiocytosis 2. Last evaluated: 2024-10-07. Review status: criteria provided, single submitter. Criteria: Invitae Variant Classification Sherloc (09022015). Collection method: clinical testing. Allele origin: germline.
Comment: This sequence change replaces threonine, which is neutral and polar, with methionine, which is neutral and non-polar, at codon 250 of the PRF1 protein (p.Thr250Met). This variant is present in population databases (rs775966864, gnomAD 0.02%). This variant has not been reported in the literature in individuals affected with PRF1-related conditions. ClinVar contains an entry for this variant (Variation ID: 566088). Invitae Evidence Modeling of protein sequence and biophysical properties (such as structural, functional, and spatial information, amino acid conservation, physicochemical variation, residue mobility, and thermodynamic stability) indicates that this missense variant is expected to disrupt PRF1 protein function with a positive predictive value of 95%. In summary, the available evidence is currently insufficient to determine the role of this variant in disease. Therefore, it has been classified as a Variant of Uncertain Significance.

Genomic Medicine Center of Excellence, King Faisal Specialist Hospital and Research Centre
Classification: Uncertain significance for Familial hemophagocytic lymphohistiocytosis 2. Last evaluated: 2024-09-22. Review status: criteria provided, single submitter. Criteria: ACMG Guidelines, 2015. Collection method: clinical testing. Allele origin: germline.

Department of Pathology and Laboratory Medicine, Sinai Health System
Classification: Uncertain significance. Review status: no assertion criteria provided. Collection method: clinical testing. Allele origin: unknown. Affected: yes. Study: The Canadian Open Genetics Repository (COGR). Not counted in ClinVar's aggregate classification.
Comment: The PRF1 p.Thr250Met variant was not identified in the literature nor was it identified in LOVD 3.0. The variant was identified in dbSNP (ID: rs775966864), Cosmic and ClinVar (classified as a VUS by Invitae for Hemophagocytic lymphohistiocytosis, familial, 2). The variant was also identified in control databases in 12 of 282802 chromosomes at a frequency of 0.000042 (Genome Aggregation Database Feb 27, 2017). The variant was observed in the following populations: African in 4 of 24972 chromosomes (freq: 0.00016), South Asian in 3 of 30616 chromosomes (freq: 0.000098), East Asian in 1 of 19954 chromosomes (freq: 0.00005) and European (non-Finnish) in 4 of 129114 chromosomes (freq: 0.000031), but was not observed in the Latino, Ashkenazi Jewish, European (Finnish) or Other populations. The p.Thr250 residue is not conserved in mammals and computational analyses (PolyPhen-2, SIFT, AlignGVGD, BLOSUM, MutationTaster) provide inconsistent predictions regarding the impact to the protein; this information is not very predictive of pathogenicity. The variant occurs outside of the splicing consensus sequence and in silico or computational prediction software programs (SpliceSiteFinder, MaxEntScan, NNSPLICE, GeneSplicer) do not predict a difference in splicing. In summary, based on the above information the clinical significance of this variant cannot be determined with certainty at this time. This variant is classified as a variant of uncertain significance.